The following is an entry in ClinVar:

NM_001098511.3(KIF2A):c.1738G>A (p.Asp580Asn)

Gene: KIF2A (kinesin family member 2A; plus strand). Cytogenetic location: 5q12.1.
Variant type: single nucleotide variant.
Coding change: c.1738G>A on transcript NM_001098511.3 (MANE Select); coding-DNA position 1738, G replaced by A.
Protein change: p.Asp580Asn; replaces aspartic acid 580 with asparagine.
Molecular consequence: missense variant. On other transcripts: intron variant (3).
Genome position (GRCh38, 1-based): chr5:62,372,529, G>A. VCF-style: chr5-62372529-G-A. GRCh37 (hg19) VCF-style: chr5-61668356-G-A.
Other names: c.1566-1158G>A (NM_001243952.2); c.1647-1158G>A (NM_004520.5); c.1590-1158G>A (NM_001243953.2); short protein forms D580N.
Identifiers: ClinVar variation 1498869 (VCV001498869.25), dbSNP rs1318095130, ClinGen allele CA359952315.

ClinVar aggregate classification (germline): Uncertain significance. Review status: criteria provided, multiple submitters, no conflicts (2 of 4 stars). 2 submissions from 2 submitters: Uncertain significance (2). Last evaluated 2024-05-01.

Allele frequency attached by ClinVar (database versions not stated): gnomAD exomes below 0.00001 and 0.00001; gnomAD 0.00001.

Submissions (2):

CeGaT Center for Human Genetics Tuebingen
Classification: Uncertain significance. Last evaluated: 2024-05-01. Review status: criteria provided, single submitter. Criteria: CeGaT Center For Human Genetics Tuebingen Variant Classification Criteria Version 2. Collection method: clinical testing. Allele origin: germline. Affected: yes. Observed: 1 variant allele.

Labcorp Genetics (formerly Invitae), Labcorp
Classification: Uncertain significance. Last evaluated: 2023-07-31. Review status: criteria provided, single submitter. Criteria: Invitae Variant Classification Sherloc (09022015). Collection method: clinical testing. Allele origin: germline.
Comment: This sequence change replaces aspartic acid, which is acidic and polar, with asparagine, which is neutral and polar, at codon 580 of the KIF2A protein (p.Asp580Asn). This variant is present in population databases (no rsID available, gnomAD 0.0009%). This variant has not been reported in the literature in individuals affected with KIF2A-related conditions. ClinVar contains an entry for this variant (Variation ID: 1498869). An algorithm developed to predict the effect of missense changes on protein structure and function (PolyPhen-2) suggests that this variant is likely to be tolerated. In summary, the available evidence is currently insufficient to determine the role of this variant in disease. Therefore, it has been classified as a Variant of Uncertain Significance.